The following is an entry in ClinVar:

NM_005744.5(ARIH1):c.638G>A (p.Ser213Asn)

Gene: ARIH1 (ariadne RBR E3 ubiquitin protein ligase 1; plus strand). Cytogenetic location: 15q24.1.
Variant type: single nucleotide variant.
Coding change: c.638G>A on transcript NM_005744.5 (MANE Select); coding-DNA position 638, G replaced by A.
Protein change: p.Ser213Asn; replaces serine 213 with asparagine.
Molecular consequence: missense variant.
Genome position (GRCh38, 1-based): chr15:72,555,320, G>A. VCF-style: chr15-72555320-G-A. GRCh37 (hg19) VCF-style: chr15-72847661-G-A.
Other names: short protein forms S213N.
Identifiers: ClinVar variation 1384754 (VCV001384754.6), dbSNP rs1228878159, ClinGen allele CA393237876.

ClinVar aggregate classification (germline): Uncertain significance (1 of 4 stars; one submission).

Allele frequency attached by ClinVar (database versions not stated): TOPMed 0.00001; gnomAD 0.00002.

Submission:

Labcorp Genetics (formerly Invitae), Labcorp
Classification: Uncertain significance. Last evaluated: 2021-11-29. Review status: criteria provided, single submitter. Criteria: Invitae Variant Classification Sherloc (09022015). Collection method: clinical testing. Allele origin: germline.
Comment: In summary, the available evidence is currently insufficient to determine the role of this variant in disease. Therefore, it has been classified as a Variant of Uncertain Significance. Algorithms developed to predict the effect of missense changes on protein structure and function (SIFT, PolyPhen-2, Align-GVGD) all suggest that this variant is likely to be tolerated. This variant has not been reported in the literature in individuals affected with ARIH1-related conditions. This variant is present in population databases (no rsID available, gnomAD 0.01%). This sequence change replaces serine, which is neutral and polar, with asparagine, which is neutral and polar, at codon 213 of the ARIH1 protein (p.Ser213Asn).